The following is an entry in ClinVar:

ClinVar aggregate classification (germline): Uncertain significance. Review status: criteria provided, multiple submitters, no conflicts (2 of 4 stars). 3 submissions from 3 submitters: Uncertain significance (3). Last evaluated 2025-08-15.

Conditions:
Hereditary cancer-predisposing syndrome. Also called: Hereditary neoplastic syndrome; Tumor predisposition; Neoplastic Syndromes, Hereditary; Hereditary Cancer Syndrome. Identifiers: Orphanet 140162, MedGen C0027672, MeSH D009386, MONDO:0015356.
Familial cancer of breast. Also called: Hereditary breast cancer; hereditary breast carcinoma; BREAST CANCER, FAMILIAL. Identifiers: Orphanet 227535, MedGen C0346153, MONDO:0016419, OMIM 114480. Disease mechanism: loss of function.
Fanconi anemia complementation group J. Also called: BRIP1-Related Fanconi Anemia. Identifiers: Orphanet 84, MedGen C1836860, MONDO:0012187, OMIM 609054.
BRIP1-related disorder. Also called: BRIP1-related disorders; BRIP1-related condition. Identifiers: MedGen CN239206.

Allele frequency attached by ClinVar (database versions not stated): gnomAD exomes below 0.00001; TOPMed below 0.00001.
gnomAD v4.1: 1 of 1,613,878 alleles (0.000062%); highest among the groups gnomAD compares: Admixed American, 0.0017%; no homozygotes.

Submissions (3):

Labcorp Genetics (formerly Invitae), Labcorp
Classification: Uncertain significance for Familial cancer of breast; Fanconi anemia complementation group J. Last evaluated: 2025-08-15. Review status: criteria provided, single submitter. Criteria: Invitae Variant Classification Sherloc (09022015). Collection method: clinical testing. Allele origin: germline.
Comment: This sequence change replaces histidine, which is basic and polar, with arginine, which is basic and polar, at codon 715 of the BRIP1 protein (p.His715Arg). This variant is present in population databases (no rsID available, gnomAD 0.003%). This variant has not been reported in the literature in individuals affected with BRIP1-related conditions. ClinVar contains an entry for this variant (Variation ID: 951059). Invitae Evidence Modeling of protein sequence and biophysical properties (such as structural, functional, and spatial information, amino acid conservation, physicochemical variation, residue mobility, and thermodynamic stability) indicates that this missense variant is not expected to disrupt BRIP1 protein function with a negative predictive value of 95%. In summary, the available evidence is currently insufficient to determine the role of this variant in disease. Therefore, it has been classified as a Variant of Uncertain Significance.

Ambry Genetics
Classification: Uncertain significance for Hereditary cancer-predisposing syndrome. Last evaluated: 2024-05-01. Review status: criteria provided, single submitter. Criteria: Ambry Variant Classification Scheme 2023. Collection method: clinical testing. Allele origin: germline.
Comment: The p.H715R variant (also known as c.2144A>G), located in coding exon 14 of the BRIP1 gene, results from an A to G substitution at nucleotide position 2144. The histidine at codon 715 is replaced by arginine, an amino acid with highly similar properties. This amino acid position is conserved. In addition, this alteration is predicted to be tolerated by in silico analysis. Based on the available evidence, the clinical significance of this variant remains unclear.

PreventionGenetics, part of Exact Sciences
Classification: Uncertain significance for BRIP1-related condition. Last evaluated: 2022-12-29. Review status: criteria provided, single submitter. Criteria: ACMG Guidelines, 2015. Collection method: clinical testing. Allele origin: germline.
Comment: The BRIP1 c.2144A>G variant is predicted to result in the amino acid substitution p.His715Arg. To our knowledge, this variant has not been reported in the literature. This variant is reported in 0.0029% of alleles in individuals of Latino descent in gnomAD. At this time, the clinical significance of this variant is uncertain due to the absence of conclusive functional and genetic evidence.

NM_032043.3(BRIP1):c.2144A>G (p.His715Arg)

Gene: BRIP1 (BRCA1 interacting DNA helicase 1; minus strand). Cytogenetic location: 17q23.2.
Variant type: single nucleotide variant.
Coding change: c.2144A>G on transcript NM_032043.3 (MANE Select); coding-DNA position 2144, A replaced by G.
Protein change: p.His715Arg; replaces histidine 715 with arginine.
Molecular consequence: missense variant.
Genome position (GRCh38, 1-based): chr17:61,744,545, T>C on the plus strand (A>G on the coding strand, the complement: BRIP1 is on the minus strand). VCF-style: chr17-61744545-T-C. GRCh37 (hg19) VCF-style: chr17-59821906-T-C.
Other names: short protein forms H715R.
Identifiers: ClinVar variation 951059 (VCV000951059.12), dbSNP rs1253181575, ClinGen allele CA400483206.